The following is an entry in ClinVar:

ClinVar aggregate classification (germline): Benign/Likely benign. Review status: criteria provided, multiple submitters, no conflicts (2 of 4 stars). 3 submissions from 3 submitters: Benign (1); Likely benign (2). Last evaluated 2025-03-24.

Conditions:
Hereditary cancer-predisposing syndrome. Also called: Hereditary Cancer Syndrome; Neoplastic Syndromes, Hereditary; Hereditary neoplastic syndrome; Tumor predisposition. Identifiers: Orphanet 140162, MedGen C0027672, MeSH D009386, MONDO:0015356.
Familial thoracic aortic aneurysm and aortic dissection (TAAD). Also called: Thoracic aortic aneurysms and dissections. Identifiers: Orphanet 91387, MedGen C4707243, MONDO:0019625.
Juvenile polyposis syndrome (JPS). Identifiers: Orphanet 2929, MedGen C0345893, MONDO:0017380, OMIM 174900.
Juvenile polyposis/hereditary hemorrhagic telangiectasia syndrome (JPHT). Also called: JP/HHT SYNDROME; JUVENILE POLYPOSIS WITH HEREDITARY HEMORRHAGIC TELANGIECTASIA; POLYPOSIS, GENERALIZED JUVENILE, WITH PULMONARY ARTERIOVENOUS MALFORMATION; TELANGIECTASIA, HEREDITARY HEMORRHAGIC, WITH JUVENILE POLYPOSIS COLI; Juvenile Polyposis Syndrome / Hereditary Hemorrhagic Telangiectasia (JPS/HHT). Identifiers: Orphanet 2929, MedGen C1832942, MONDO:0008278, OMIM 175050.

Submissions (3):

Myriad Genetics, Inc.
Classification: Benign for Juvenile polyposis/hereditary hemorrhagic telangiectasia syndrome. Last evaluated: 2025-03-24. Review status: criteria provided, single submitter. Criteria: Myriad Autosomal Dominant, Autosomal Recessive and X-Linked Classification Criteria (2023). Collection method: clinical testing. Allele origin: unknown.
Comment: This variant is considered benign. This variant is a silent/synonymous amino acid change and it is not expected to impact splicing.

Ambry Genetics
Classification: Likely benign for Hereditary cancer-predisposing syndrome; Familial thoracic aortic aneurysm and aortic dissection. Last evaluated: 2024-09-08. Review status: criteria provided, single submitter. Criteria: Ambry Variant Classification Scheme 2023. Collection method: clinical testing. Allele origin: germline.

Labcorp Genetics (formerly Invitae), Labcorp
Classification: Likely benign for Juvenile polyposis syndrome. Last evaluated: 2019-04-23. Review status: criteria provided, single submitter. Criteria: Invitae Variant Classification Sherloc (09022015). Collection method: clinical testing. Allele origin: germline.

NM_005359.6(SMAD4):c.1434A>C (p.Ile478=)

Gene: SMAD4 (SMAD family member 4; plus strand). Cytogenetic location: 18q21.2.
Variant type: single nucleotide variant.
Coding change: c.1434A>C on transcript NM_005359.6 (MANE Select); coding-DNA position 1434, A replaced by C.
Protein change: p.Ile478=; no amino-acid change (isoleucine 478 retained).
Molecular consequence: synonymous variant.
Genome position (GRCh38, 1-based): chr18:51,076,763, A>C. VCF-style: chr18-51076763-A-C. GRCh37 (hg19) VCF-style: chr18-48603133-A-C.
Other names: c.1434A>C (NM_005359.5).
Identifiers: ClinVar variation 1120419 (VCV001120419.11), dbSNP rs2144474642, ClinGen allele CA503873900.